The following is an entry in ClinVar:

NM_031372.4(HNRNPDL):c.343G>A (p.Asp115Asn)

Gene: HNRNPDL (heterogeneous nuclear ribonucleoprotein D like; minus strand). Cytogenetic location: 4q21.22.
Variant type: single nucleotide variant.
Coding change: c.343G>A on transcript NM_031372.4 (MANE Select); coding-DNA position 343, G replaced by A.
Protein change: p.Asp115Asn; replaces aspartic acid 115 with asparagine.
Molecular consequence: missense variant. On other transcripts: non-coding transcript variant (1).
Genome position (GRCh38, 1-based): chr4:82,429,348, C>T on the plus strand (G>A on the coding strand, the complement: HNRNPDL is on the minus strand). VCF-style: chr4-82429348-C-T. GRCh37 (hg19) VCF-style: chr4-83350501-C-T.
Other names: c.343G>A, p.Asp115Asn (NM_001207000.1); short protein forms D115N.
Identifiers: ClinVar variation 3625857 (VCV003625857.2).

ClinVar aggregate classification (germline): Uncertain significance (1 of 4 stars; one submission).

Conditions:
Autosomal dominant limb-girdle muscular dystrophy type 1G (LGMDD3). Also called: Limb-girdle muscular dystrophy, type 1G; MUSCULAR DYSTROPHY, LIMB-GIRDLE, AUTOSOMAL DOMINANT 3. Identifiers: Orphanet 55596, MedGen C1836765, MONDO:0012193, OMIM 609115.

gnomAD v4.1: 2 of 1,613,848 alleles (0.00012%); highest among the groups gnomAD compares: Non-Finnish European, 0.00017%; no homozygotes.

Submission:

Labcorp Genetics (formerly Invitae), Labcorp
Classification: Uncertain significance for Autosomal dominant limb-girdle muscular dystrophy type 1G. Last evaluated: 2024-12-16. Review status: criteria provided, single submitter. Criteria: Invitae Variant Classification Sherloc (09022015). Collection method: clinical testing. Allele origin: germline.
Comment: This sequence change replaces aspartic acid, which is acidic and polar, with asparagine, which is neutral and polar, at codon 115 of the HNRNPDL protein (p.Asp115Asn). This variant is not present in population databases (gnomAD no frequency). This variant has not been reported in the literature in individuals affected with HNRNPDL-related conditions. An algorithm developed to predict the effect of missense changes on protein structure and function outputs the following: PolyPhen-2: "Possibly Damaging". The asparagine amino acid residue is found in multiple mammalian species, which suggests that this missense change does not adversely affect protein function. In summary, the available evidence is currently insufficient to determine the role of this variant in disease. Therefore, it has been classified as a Variant of Uncertain Significance.